The following is an entry in ClinVar:

NM_001174147.2(LMX1B):c.742-1G>A

Gene: LMX1B (LIM homeobox transcription factor 1 beta; plus strand). Cytogenetic location: 9q33.3.
Variant type: single nucleotide variant.
Coding change: c.742-1G>A on transcript NM_001174147.2 (MANE Select); the canonical splice acceptor site of the intron before coding-DNA position 742, G replaced by A.
Molecular consequence: splice acceptor variant.
Genome position (GRCh38, 1-based): chr9:126,693,523, G>A. VCF-style: chr9-126693523-G-A. GRCh37 (hg19) VCF-style: chr9-129455802-G-A.
Other names: c.742-1G>A (NM_001174146.2, NM_002316.4).
Identifiers: ClinVar variation 3893297 (VCV003893297.1).
Genomic context (GRCh38, chr9:126,693,523, plus strand): 5'-CCCACCATCTCCCCGTTGCTGCCCCTGGAGGGCCTGACCTGTTCCCCTCTCTCTGAGCCA[G>A]GTCCGAGAGACACTGGCAGCTGAGACGGGCCTCAGTGTGCGCGTGGTCCAGGTCTGGTTT-3'

ClinVar aggregate classification (germline): Pathogenic (1 of 4 stars; one submission).

Submission:

GeneDx
Classification: Pathogenic. Last evaluated: 2024-10-28. Review status: criteria provided, single submitter. Criteria: GeneDx Variant Classification Process June 2021. Collection method: clinical testing. Allele origin: germline. Affected: yes.
Comment: Reported in an individual with nail-patella syndrome; however specific clinical information was not provided and it is unknown whether this individual was screened for variants in other potentially causative genes (PMID: 15498463); Canonical splice site variant predicted to result in an in-frame loss of the adjacent exon in a gene for which loss of function is a known mechanism of disease; Not observed at significant frequency in large population cohorts (gnomAD); This variant is associated with the following publications: (PMID: 25525159, 15498463)